The following is an entry in ClinVar:

NM_016953.4(PDE11A):c.912+2T>A

Gene: PDE11A (phosphodiesterase 11A; minus strand). Cytogenetic location: 2q31.2.
Variant type: single nucleotide variant.
Coding change: c.912+2T>A on transcript NM_016953.4 (MANE Select); the canonical splice donor site of the intron after coding-DNA position 912, T replaced by A.
Molecular consequence: splice donor variant. On other transcripts: intron variant (1).
Genome position (GRCh38, 1-based): chr2:178,071,524, A>T on the plus strand (T>A on the coding strand, the complement: PDE11A is on the minus strand). VCF-style: chr2-178071524-A-T. GRCh37 (hg19) VCF-style: chr2-178936251-A-T.
Other names: c.162+32778T>A (NM_001077197.2).
Identifiers: ClinVar variation 2672114 (VCV002672114.1), dbSNP rs1475543263, ClinGen allele CA349705291.

ClinVar aggregate classification (germline): Uncertain significance (1 of 4 stars; one submission).

Allele frequency attached by ClinVar (database versions not stated): TOPMed below 0.00001; gnomAD 0.00001.
gnomAD v4.1: 1 of 1,612,618 alleles (0.000062%); highest among the groups gnomAD compares: Non-Finnish European, 0.000085%; no homozygotes.

Submission:

Clinical Genomics Laboratory, Washington University in St. Louis
Classification: Uncertain significance. Last evaluated: 2023-09-01. Review status: criteria provided, single submitter. Criteria: ACMG Guidelines, 2015. Collection method: clinical testing. Allele origin: germline.
Comment: The PDE11A c.912+2T>A variant, to our knowledge, has not been reported in the medical literature and is absent from the general population (gnomAD v.2.1.1), indicating it is not a common variant. Computational predictors indicate that this variant would alter splicing, evidence that correlates to an impact of this variant on PDE11A function. Due to limited information, the clinical significance of this variant is uncertain.